The following is an entry in ClinVar:

NM_002303.6(LEPR):c.2025T>C (p.Ser675=)

Genes: LEPR (leptin receptor; plus strand), LOC122094844 (Sharpr-MPRA regulatory region 5730; plus strand). Cytogenetic location: 1p31.3.
Variant type: single nucleotide variant.
Coding change: c.2025T>C on transcript NM_002303.6 (MANE Select); coding-DNA position 2025, T replaced by C.
Protein change: p.Ser675=; no amino-acid change (serine 675 retained).
Molecular consequence: synonymous variant.
Genome position (GRCh38, 1-based): chr1:65,616,037, T>C. VCF-style: chr1-65616037-T-C. GRCh37 (hg19) VCF-style: chr1-66081720-T-C.
Other names: c.2025T>C, p.Ser675= (NM_001003679.3, NM_001003680.3, NM_001198687.2 and 2 more transcripts).
Identifiers: ClinVar variation 3349116 (VCV003349116.1).
Genomic context (GRCh38, chr1:65,616,037, plus strand): 5'-TTAAACTAATCAATTTCTATATTTACTACAGCCCCTGATGAAAAATGACTCATTGTGCAG[T>C]GTTCAGAGATATGTGATAAACCATCATACTTCCTGCAATGGAACATGGTCAGAAGATGTG-3'
Protein context (NP_002294.2, residues 665-685): KPLMKNDSLC[Ser675=]VQRYVINHHT

ClinVar aggregate classification (germline): Likely benign (0 of 4 stars; one submission).

Conditions:
LEPR-related disorder. Also called: LEPR-related condition; LEPR-related disorders.

gnomAD v4.1: 2 of 1,614,022 alleles (0.00012%); highest among the groups gnomAD compares: Non-Finnish European, 0.00017%; no homozygotes.

Submission:

PreventionGenetics, part of Exact Sciences
Classification: Likely benign for LEPR-related condition. Last evaluated: 2024-03-05. Review status: no assertion criteria provided. Collection method: clinical testing. Allele origin: germline.
Comment: This variant is classified as likely benign based on ACMG/AMP sequence variant interpretation guidelines (Richards et al. 2015 PMID: 25741868, with internal and published modifications).